The following is an entry in ClinVar:

NM_004991.4(MECOM):c.577G>T (p.Asp193Tyr)

Gene: MECOM (MDS1 and EVI1 complex locus; minus strand). Cytogenetic location: 3q26.2.
Variant type: single nucleotide variant.
Coding change: c.577G>T on transcript NM_004991.4 (MANE Select); coding-DNA position 577, G replaced by T.
Protein change: p.Asp193Tyr; replaces aspartic acid 193 with tyrosine.
Molecular consequence: missense variant.
Genome position (GRCh38, 1-based): chr3:169,131,465, C>A on the plus strand (G>T on the coding strand, the complement: MECOM is on the minus strand). VCF-style: chr3-169131465-C-A. GRCh37 (hg19) VCF-style: chr3-168849253-C-A.
Other names: c.205G>T, p.Asp69Tyr (NM_001105077.4); c.13G>T, p.Asp5Tyr (NM_001105078.4, NM_001163999.2, NM_001164000.2 and 9 more transcripts); c.577G>T, p.Asp193Tyr (NM_001366466.2, NM_001366473.2); c.577G>T (NM_004991.3); short protein forms D5Y, D69Y, D193Y.
Identifiers: ClinVar variation 2783053 (VCV002783053.4), dbSNP rs2149206859, ClinGen allele CA355071396.
Genomic context (GRCh38, chr3:169,131,465, plus strand): 5'-GAGGGTGGCGTGAGTGGTACTAACCGTGGATATCCGGCGCCATAGTTTCATGGGGATAGT[C>A]TTCGCTCTTCATGAACAGCAGAAGCTCCTCTCCCGGCGCAATGTCTGCAACTACTCTATA-3'
Protein context (NP_004982.2, residues 183-203): EELLLFMKSE[Asp193Tyr]YPHETMAPDI

ClinVar aggregate classification (germline): Uncertain significance. Review status: criteria provided, multiple submitters, no conflicts (2 of 4 stars). 2 submissions from 2 submitters: Uncertain significance (2). Last evaluated 2025-04-05.

Conditions:
Inborn genetic diseases. Identifiers: MedGen C0950123, MeSH D030342.

Allele frequency attached by ClinVar (database versions not stated): gnomAD exomes below 0.00001.
gnomAD v4.1: 2 of 1,613,986 alleles (0.00012%); highest among the groups gnomAD compares: Non-Finnish European, 0.00017%; no homozygotes.

Submissions (2):

Ambry Genetics
Classification: Uncertain significance for Inborn genetic diseases. Last evaluated: 2025-04-05. Review status: criteria provided, single submitter. Criteria: Ambry Variant Classification Scheme 2023. Collection method: clinical testing. Allele origin: germline.
Comment: The p.D193Y variant (also known as c.577G>T), located in coding exon 4 of the MECOM gene, results from a G to T substitution at nucleotide position 577. The aspartic acid at codon 193 is replaced by tyrosine, an amino acid with highly dissimilar properties. This amino acid position is conserved. In addition, this alteration is predicted to be tolerated by in silico analysis. Based on the available evidence, the clinical significance of this variant remains unclear.

Labcorp Genetics (formerly Invitae), Labcorp
Classification: Uncertain significance. Last evaluated: 2022-11-23. Review status: criteria provided, single submitter. Criteria: Invitae Variant Classification Sherloc (09022015). Collection method: clinical testing. Allele origin: germline.
Comment: This sequence change replaces aspartic acid, which is acidic and polar, with tyrosine, which is neutral and polar, at codon 5 of the MECOM protein (p.Asp5Tyr). This variant is not present in population databases (gnomAD no frequency). This variant has not been reported in the literature in individuals affected with MECOM-related conditions. Algorithms developed to predict the effect of missense changes on protein structure and function are either unavailable or do not agree on the potential impact of this missense change (SIFT: "Deleterious"; PolyPhen-2: "Possibly Damaging"; Align-GVGD: "Class C0"). In summary, the available evidence is currently insufficient to determine the role of this variant in disease. Therefore, it has been classified as a Variant of Uncertain Significance.